The following is an entry in ClinVar:

NM_017780.4(CHD7):c.667G>T (p.Gly223Ter)

Gene: CHD7 (chromodomain helicase DNA binding protein 7; plus strand). Cytogenetic location: 8q12.2.
Variant type: single nucleotide variant.
Coding change: c.667G>T on transcript NM_017780.4 (MANE Select); coding-DNA position 667, G replaced by T.
Protein change: p.Gly223Ter; replaces glycine 223 with a stop codon.
Molecular consequence: nonsense.
Genome position (GRCh38, 1-based): chr8:60,742,099, G>T. VCF-style: chr8-60742099-G-T. GRCh37 (hg19) VCF-style: chr8-61654658-G-T.
Other names: c.667G>T, p.Gly223Ter (NM_001316690.1); short protein forms G223*.
Identifiers: ClinVar variation 971388 (VCV000971388.7), dbSNP rs1809060881, ClinGen allele CA371298737.
Genomic context (GRCh38, chr8:60,742,099, plus strand): 5'-CATGGTCAGCCACAGCAGAGGATGAGCCAGTTTTCCCAAGGCCAAGAGGGCCTCAATCAG[G>T]GAAATCCTTTTATTGCCACCTCAGGACCTGGCCACTTGTCCCACGTGCCCCAGCAGAGTC-3'

ClinVar aggregate classification (germline): Pathogenic (1 of 4 stars; one submission).

Conditions:
CHARGE syndrome (CHARGE). Also called: Hittner Hirsch Kreh syndrome; Coloboma, heart anomaly, choanal atresia, retardation, genital and ear anomalies; CHARGE association; Hall-Hittner syndrome; CHARGE ASSOCIATION--COLOBOMA, HEART ANOMALY, CHOANAL ATRESIA, RETARDATION, GENITAL AND EAR ANOMALIES. Identifiers: Orphanet 138, MedGen C0265354, MONDO:0008965.

Submission:

Labcorp Genetics (formerly Invitae), Labcorp
Classification: Pathogenic for CHARGE syndrome. Last evaluated: 2019-10-21. Review status: criteria provided, single submitter. Criteria: Invitae Variant Classification Sherloc (09022015). Collection method: clinical testing. Allele origin: germline.
Comment: For these reasons, this variant has been classified as Pathogenic. Loss-of-function variants in CHD7 are known to be pathogenic (PMID: 22461308, 25077900). This variant has not been reported in the literature in individuals with CHD7-related conditions. This variant is not present in population databases (ExAC no frequency). This sequence change creates a premature translational stop signal (p.Gly223*) in the CHD7 gene. It is expected to result in an absent or disrupted protein product.

Literature cited by the submitters: PubMed 22461308; PubMed 25077900.